The following is an entry in ClinVar:

ClinVar aggregate classification (germline): Uncertain significance. Review status: criteria provided, multiple submitters, no conflicts (2 of 4 stars). 4 submissions from 4 submitters: Uncertain significance (4). Last evaluated 2026-09-10.

Conditions:
VCAN-related disorder. Also called: VCAN-related condition.
Inborn genetic diseases. Identifiers: MedGen C0950123, MeSH D030342.
Wagner disease. Also called: WAGNER SYNDROME 1; Wagner syndrome; HYALOIDEORETINAL DEGENERATION OF WAGNER; Wagner Vitreoretinal Degeneration (Wagner Synrdome); WAGNER VITREORETINAL DEGENERATION; WAGNER VITREORETINOPATHY. Identifiers: Orphanet 898, MedGen C1840452, MONDO:0007740, OMIM 143200.

Allele frequency attached by ClinVar (database versions not stated): gnomAD 0.00001; TOPMed 0.00002; ExAC 0.00003; gnomAD exomes 0.00003 and 0.00004; ESP Exome Variant Server 0.00015.
gnomAD v4.1: 41 of 1,613,888 alleles (0.0025%); highest among the groups gnomAD compares: Non-Finnish European, 0.0034%; no homozygotes.

Submissions (4):

PreventionGenetics, part of Exact Sciences
Classification: Uncertain significance for VCAN-related condition. Last evaluated: 2026-09-10. Review status: criteria provided, single submitter. Criteria: ACMG Guidelines, 2015. Collection method: clinical testing. Allele origin: germline.
Comment: The VCAN c.8314G>A variant is predicted to result in the amino acid substitution p.Ala2772Thr. To our knowledge, this variant has not been reported in the literature. This variant is reported in 0.0080% of alleles in individuals of European (Non-Finnish) descent in gnomAD. At this time, the clinical significance of this variant is uncertain due to the absence of conclusive functional and genetic evidence.

Labcorp Genetics (formerly Invitae), Labcorp
Classification: Uncertain significance. Last evaluated: 2026-01-06. Review status: criteria provided, single submitter. Criteria: Invitae Variant Classification Sherloc (09022015). Collection method: clinical testing. Allele origin: germline.
Comment: This sequence change replaces alanine, which is neutral and non-polar, with threonine, which is neutral and polar, at codon 2772 of the VCAN protein (p.Ala2772Thr). This variant is present in population databases (rs374623465, gnomAD 0.008%). This variant has not been reported in the literature in individuals affected with VCAN-related conditions. ClinVar contains an entry for this variant (Variation ID: 1050975). An algorithm developed to predict the effect of missense changes on protein structure and function outputs the following: PolyPhen-2: "Benign". The threonine amino acid residue is found in multiple mammalian species, which suggests that this missense change does not adversely affect protein function. In summary, the available evidence is currently insufficient to determine the role of this variant in disease. Therefore, it has been classified as a Variant of Uncertain Significance.

Revvity Omics, Revvity
Classification: Uncertain significance for Wagner disease. Last evaluated: 2024-12-12. Review status: criteria provided, single submitter. Criteria: ACMG Guidelines, 2015. Collection method: clinical testing. Allele origin: germline.

Ambry Genetics
Classification: Uncertain significance for Inborn genetic diseases. Last evaluated: 2024-04-08. Review status: criteria provided, single submitter. Criteria: Ambry Variant Classification Scheme 2023. Collection method: clinical testing. Allele origin: germline.

NM_004385.5(VCAN):c.8314G>A (p.Ala2772Thr)

Genes: VCAN (versican; plus strand), VCAN-AS1 (VCAN antisense RNA 1; minus strand). Cytogenetic location: 5q14.3.
Variant type: single nucleotide variant.
Coding change: c.8314G>A on transcript NM_004385.5 (MANE Select); coding-DNA position 8314, G replaced by A.
Protein change: p.Ala2772Thr; replaces alanine 2772 with threonine.
Molecular consequence: missense variant. On other transcripts: intron variant (2).
Genome position (GRCh38, 1-based): chr5:83,541,317, G>A. VCF-style: chr5-83541317-G-A. GRCh37 (hg19) VCF-style: chr5-82837136-G-A.
Other names: c.5353G>A, p.Ala1785Thr (NM_001164097.2); c.4004-4220G>A (NM_001164098.2); c.1043-4220G>A (NM_001126336.3); c.8314G>A (NM_004385.4); short protein forms A1785T, A2772T.
Identifiers: ClinVar variation 1050975 (VCV001050975.12), dbSNP rs374623465, ClinGen allele CA3333783.